The following is an entry in ClinVar:

NM_005732.4(RAD50):c.3811G>A (p.Glu1271Lys)

Genes: RAD50 (RAD50 double strand break repair protein; plus strand), TH2LCRR (T helper type 2 locus control region associated RNA; minus strand). Cytogenetic location: 5q31.1.
Variant type: single nucleotide variant.
Coding change: c.3811G>A on transcript NM_005732.4 (MANE Select); coding-DNA position 3811, G replaced by A.
Protein change: p.Glu1271Lys; replaces glutamic acid 1271 with lysine.
Molecular consequence: missense variant. On other transcripts: non-coding transcript variant (1).
Genome position (GRCh38, 1-based): chr5:132,642,236, G>A. VCF-style: chr5-132642236-G-A. GRCh37 (hg19) VCF-style: chr5-131977928-G-A.
Other names: short protein forms E1271K.
Identifiers: ClinVar variation 1056258 (VCV001056258.12), dbSNP rs1751740422, ClinGen allele CA360936533.

ClinVar aggregate classification (germline): Uncertain significance. Review status: criteria provided, multiple submitters, no conflicts (2 of 4 stars). 2 submissions from 2 submitters: Uncertain significance (2). Last evaluated 2025-03-08.

Conditions:
Hereditary cancer-predisposing syndrome. Also called: Hereditary Cancer Syndrome; Tumor predisposition; Hereditary neoplastic syndrome; Neoplastic Syndromes, Hereditary. Identifiers: Orphanet 140162, MedGen C0027672, MeSH D009386, MONDO:0015356.

Allele frequency attached by ClinVar (database versions not stated): TOPMed below 0.00001.

Submissions (2):

Ambry Genetics
Classification: Uncertain significance for Hereditary cancer-predisposing syndrome. Last evaluated: 2025-03-08. Review status: criteria provided, single submitter. Criteria: Ambry Variant Classification Scheme 2023. Collection method: clinical testing. Allele origin: germline.
Comment: The p.E1271K variant (also known as c.3811G>A), located in coding exon 25 of the RAD50 gene, results from a G to A substitution at nucleotide position 3811. The glutamic acid at codon 1271 is replaced by lysine, an amino acid with similar properties. This amino acid position is conserved. In addition, this alteration is predicted to be deleterious by in silico analysis. Since supporting evidence is limited at this time, the clinical significance of this alteration remains unclear.

Labcorp Genetics (formerly Invitae), Labcorp
Classification: Uncertain significance for Hereditary cancer-predisposing syndrome. Last evaluated: 2023-10-29. Review status: criteria provided, single submitter. Criteria: Invitae Variant Classification Sherloc (09022015). Collection method: clinical testing. Allele origin: germline.
Comment: This sequence change replaces glutamic acid, which is acidic and polar, with lysine, which is basic and polar, at codon 1271 of the RAD50 protein (p.Glu1271Lys). RNA analysis indicates that this missense change induces altered splicing and likely disrupts the C-terminus of the protein. This variant is not present in population databases (gnomAD no frequency). This variant has not been reported in the literature in individuals affected with RAD50-related conditions. ClinVar contains an entry for this variant (Variation ID: 1056258). Advanced modeling of protein sequence and biophysical properties (such as structural, functional, and spatial information, amino acid conservation, physicochemical variation, residue mobility, and thermodynamic stability) performed at Invitae indicates that this missense variant is expected to disrupt RAD50 protein function with a positive predictive value of 80%. Studies have shown that this missense change results in skipping of exon 25 and introduces a new termination codon (Invitae). However the mRNA is not expected to undergo nonsense-mediated decay. In summary, the available evidence is currently insufficient to determine the role of this variant in disease. Therefore, it has been classified as a Variant of Uncertain Significance.